The following is an entry in ClinVar:

NM_002292.4(LAMB2):c.2296G>A (p.Ala766Thr)

Gene: LAMB2 (laminin subunit beta 2; minus strand). Cytogenetic location: 3p21.31.
Variant type: single nucleotide variant.
Coding change: c.2296G>A on transcript NM_002292.4 (MANE Select); coding-DNA position 2296, G replaced by A.
Protein change: p.Ala766Thr; replaces alanine 766 with threonine.
Molecular consequence: missense variant.
Genome position (GRCh38, 1-based): chr3:49,126,015, C>T on the plus strand (G>A on the coding strand, the complement: LAMB2 is on the minus strand). VCF-style: chr3-49126015-C-T. GRCh37 (hg19) VCF-style: chr3-49163448-C-T.
Other names: short protein forms A766T.
Identifiers: ClinVar variation 902961 (VCV000902961.10), dbSNP rs763101025, ClinGen allele CA2394340.

ClinVar aggregate classification (germline): Conflicting classifications of pathogenicity. Review status: criteria provided, conflicting classifications (1 of 4 stars). 5 submissions from 4 submitters: Uncertain significance (4); Likely benign (1). Last evaluated 2025-10-06.

Conditions:
Pierson syndrome. Also called: MICROCORIA-CONGENITAL NEPHROTIC SYNDROME. Identifiers: Orphanet 2670, MedGen C1836876, MONDO:0012184, OMIM 609049.
LAMB2-related infantile-onset nephrotic syndrome. Also called: NEPHROTIC SYNDROME, TYPE 5, WITHOUT OCULAR ABNORMALITIES; NEPHROTIC SYNDROME, TYPE 5, WITH OCULAR ABNORMALITIES; Nephrotic Syndrome, type 5. Identifiers: Orphanet 306507, MedGen C3280113, MONDO:0013621, OMIM 614199.

Allele frequency attached by ClinVar (database versions not stated): TOPMed 0.00001; gnomAD 0.00002 and 0.00003.

Submissions (5):

Labcorp Genetics (formerly Invitae), Labcorp
Classification: Uncertain significance for LAMB2-related infantile-onset nephrotic syndrome; Pierson syndrome. Last evaluated: 2025-10-06. Review status: criteria provided, single submitter. Criteria: Invitae Variant Classification Sherloc (09022015). Collection method: clinical testing. Allele origin: germline.
Comment: This sequence change replaces alanine, which is neutral and non-polar, with threonine, which is neutral and polar, at codon 766 of the LAMB2 protein (p.Ala766Thr). This variant is present in population databases (rs763101025, gnomAD 0.1%). This missense change has been observed in individual(s) with LAMB2-related conditions (PMID: 35532722). ClinVar contains an entry for this variant (Variation ID: 902961). An algorithm developed to predict the effect of missense changes on protein structure and function outputs the following: PolyPhen-2: "Benign". The threonine amino acid residue is found in multiple mammalian species, which suggests that this missense change does not adversely affect protein function. In summary, the available evidence is currently insufficient to determine the role of this variant in disease. Therefore, it has been classified as a Variant of Uncertain Significance.

3billion
Classification: Likely benign for LAMB2-related infantile-onset nephrotic syndrome; Pierson syndrome. Last evaluated: 2024-09-20. Review status: criteria provided, single submitter. Criteria: ACMG Guidelines, 2015. Collection method: clinical testing. Allele origin: germline. Affected: no.
Comment: The homozygous variant was found in patients diagnosed with another variant in a different gene, with no symptoms related to the gene containing the homozygous variant.

Fulgent Genetics
Classification: Uncertain significance for Pierson syndrome; LAMB2-related infantile-onset nephrotic syndrome. Last evaluated: 2021-11-22. Review status: criteria provided, single submitter. Criteria: ACMG Guidelines, 2015. Collection method: clinical testing. Allele origin: unknown.

Illumina Laboratory Services, Illumina
Classification: Uncertain significance for Pierson syndrome. Last evaluated: 2018-01-13. Review status: criteria provided, single submitter. Criteria: ICSL Variant Classification Criteria 13 December 2019. Collection method: clinical testing. Allele origin: germline.

Illumina Laboratory Services, Illumina
Classification: Uncertain significance for LAMB2-related infantile-onset nephrotic syndrome. Last evaluated: 2018-01-13. Review status: criteria provided, single submitter. Criteria: ICSL Variant Classification Criteria 13 December 2019. Collection method: clinical testing. Allele origin: germline.

Literature cited by the submitters: PubMed 35532722 (cited by Labcorp Genetics (formerly Invitae), Labcorp).